The following is an entry in ClinVar:

ClinVar aggregate classification (germline): Uncertain significance. Review status: criteria provided, multiple submitters, no conflicts (2 of 4 stars). 2 submissions from 2 submitters: Uncertain significance (2). Last evaluated 2025-11-19.

Conditions:
Inborn genetic diseases. Identifiers: MedGen C0950123, MeSH D030342.

Allele frequency attached by ClinVar (database versions not stated): gnomAD exomes 0.00001.
gnomAD v4.1: 4 of 1,210,868 alleles (0.00033%); highest among the groups gnomAD compares: South Asian, 0.0018%; no homozygotes.

Submissions (2):

Ambry Genetics
Classification: Uncertain significance for Inborn genetic diseases. Last evaluated: 2025-11-19. Review status: criteria provided, single submitter. Criteria: Ambry Variant Classification Scheme 2023. Collection method: clinical testing. Allele origin: germline.

Labcorp Genetics (formerly Invitae), Labcorp
Classification: Uncertain significance. Last evaluated: 2023-09-19. Review status: criteria provided, single submitter. Criteria: Invitae Variant Classification Sherloc (09022015). Collection method: clinical testing. Allele origin: germline.
Comment: In summary, the available evidence is currently insufficient to determine the role of this variant in disease. Therefore, it has been classified as a Variant of Uncertain Significance. Advanced modeling of protein sequence and biophysical properties (such as structural, functional, and spatial information, amino acid conservation, physicochemical variation, residue mobility, and thermodynamic stability) performed at Invitae indicates that this missense variant is not expected to disrupt RS1 protein function. This variant has not been reported in the literature in individuals affected with RS1-related conditions. This variant is present in population databases (no rsID available, gnomAD 0.005%). This sequence change replaces valine, which is neutral and non-polar, with leucine, which is neutral and non-polar, at codon 90 of the RS1 protein (p.Val90Leu).

NM_000330.4(RS1):c.268G>C (p.Val90Leu)

Genes: CDKL5 (cyclin dependent kinase like 5; plus strand), RS1 (retinoschisin 1; minus strand). Cytogenetic location: Xp22.13.
Variant type: single nucleotide variant.
Coding change: c.268G>C on transcript NM_000330.4 (MANE Select); coding-DNA position 268, G replaced by C.
Protein change: p.Val90Leu; replaces valine 90 with leucine.
Molecular consequence: missense variant. On other transcripts: intron variant (2).
Genome position (GRCh38, 1-based): chrX:18,647,249, C>G on the plus strand (G>C on the coding strand, the complement: RS1 is on the minus strand). VCF-style: chrX-18647249-C-G. GRCh37 (hg19) VCF-style: chrX-18665369-C-G.
Other names: c.2797+1159C>G (NM_003159.3, NM_001037343.2); short protein forms V90L.
Identifiers: ClinVar variation 2957598 (VCV002957598.3), dbSNP rs1439276066, ClinGen allele CA412372835.